The following is an entry in ClinVar:

ClinVar aggregate classification (germline): Conflicting classifications of pathogenicity. Review status: criteria provided, conflicting classifications (1 of 4 stars). 4 submissions from 4 submitters: Uncertain significance (2); Likely benign (2). Last evaluated 2025-04-09.

Conditions:
Long QT syndrome (LQTS). Identifiers: MedGen C0023976, MeSH D008133, MONDO:0002442. Disease mechanism: loss of function. Inheritance: Various modes of inheritance.
Cardiac arrhythmia. Also called: Cardiac rhythm disease; Arrhythmia. Identifiers: MedGen C0003811, MONDO:0007263, HP:0011675.

Allele frequency attached by ClinVar (database versions not stated): gnomAD exomes 0.00001 and 0.00004; TOPMed 0.00001; ExAC 0.00006.
gnomAD v4.1: 15 of 1,560,580 alleles (0.00096%); highest among the groups gnomAD compares: Admixed American, 0.015%; no homozygotes.

Submissions (4):

ARUP Laboratories, Molecular Genetics and Genomics, ARUP Laboratories
Classification: Uncertain significance. Last evaluated: 2025-04-09. Review status: criteria provided, single submitter. Criteria: ARUP Molecular Germline Variant Investigation Process 2024. Collection method: clinical testing. Allele origin: germline.
Comment: The KCNH2 c.1128+1884G>A variant (rs765679790, ClinVar Variation ID: 654625), also known as c.97G>A; p.Val33Met on the alternative transcript, NM_172057.3, is reported in one individual with dementia, however the association with disease is unknown (Martinez-Magana 2019). This variant is found in the general population with an overall allele frequency of 0.004% (7/164,458 alleles) in the Genome Aggregation Database (v2.1.1). Computational analyses are uncertain whether the variant in the alternative transcript is neutral or deleterious (REVEL: 0.524). In the preferred transcript, it is an intronic variant and computational analyses (Alamut Visual Plus v.1.12) predict that this variant does not alter splicing. This variant is found in an alternative transcript of KCNH2 that is highly expressed in the heart, however the variant has not been reported in the literature in association with cardiomyopathy nor arrhythmia (Genotype-Tissue Expression project). Due to limited information, the clinical significance of this variant is uncertain at this time. References: Martinez-Magana JJ et al. EXPLORATORY ANALYSIS OF RARE AND NOVEL VARIANTS IN MEXICAN PATIENTS DIAGNOSED WITH SCHIZOPHRENIA AND DEMENTIA. Rev Invest Clin. 2019;71(4):246-254. PMID: 31448785.

Labcorp Genetics (formerly Invitae), Labcorp
Classification: Likely benign for Long QT syndrome. Last evaluated: 2024-01-19. Review status: criteria provided, single submitter. Criteria: Invitae Variant Classification Sherloc (09022015). Collection method: clinical testing. Allele origin: germline.

Athena Diagnostics
Classification: Uncertain significance. Last evaluated: 2021-10-04. Review status: criteria provided, single submitter. Criteria: Athena Diagnostics Criteria. Collection method: clinical testing. Allele origin: unknown.

Color Diagnostics, LLC DBA Color Health
Classification: Likely benign for Arrhythmia. Last evaluated: 2019-02-16. Review status: criteria provided, single submitter. Criteria: ACMG Guidelines, 2015. Collection method: clinical testing. Allele origin: germline.

Literature cited by the submitters: PubMed 31448785 (cited by Athena Diagnostics).

NM_000238.4(KCNH2):c.1128+1884G>A

Gene: KCNH2 (potassium voltage-gated channel subfamily H member 2; minus strand). Cytogenetic location: 7q36.1.
Variant type: single nucleotide variant.
Coding change: c.1128+1884G>A on transcript NM_000238.4 (MANE Select); 1884 bases into the intron after coding-DNA position 1128, G replaced by A.
Molecular consequence: intron variant. On other transcripts: missense variant (2), non-coding transcript variant (1).
Genome position (GRCh38, 1-based): chr7:150,955,407, C>T on the plus strand (G>A on the coding strand, the complement: KCNH2 is on the minus strand). VCF-style: chr7-150955407-C-T. GRCh37 (hg19) VCF-style: chr7-150652495-C-T.
Other names: c.97G>A, p.Val33Met (NM_001204798.2, NM_172057.3); c.840+1884G>A (NM_001406753.1, NM_001406756.1); c.1128+1884G>A (NM_172056.3); c.951+1884G>A (NM_001406755.1); c.828+1884G>A (NM_001406757.1); short protein forms V33M.
Identifiers: ClinVar variation 654625 (VCV000654625.13), dbSNP rs765679790, ClinGen allele CA027049.
Genomic context (GRCh38, chr7:150,955,407, plus strand): 5'-CTCAGTGTGCCGGCCCCAGAAAGAAGAGGAAGGACCGGGTGTCACCTACCTCCTGGGCCA[C>T]GAGGCTGGAGATGCGCACGGCCCGCCTCACCCGGCCTTTCTGGGCCCTGGGCCGCAGAGC-3'